The following is an entry in ClinVar:

ClinVar aggregate classification (germline): Uncertain significance (1 of 4 stars; one submission).

Conditions:
SH2B1-related disorder. Also called: SH2B1-related condition.

Submission:

PreventionGenetics, part of Exact Sciences
Classification: Uncertain significance for SH2B1-related condition. Last evaluated: 2025-04-15. Review status: criteria provided, single submitter. Criteria: ACMG Guidelines, 2015. Collection method: clinical testing. Allele origin: germline.
Comment: The SH2B1 c.1751A>G variant is predicted to result in the amino acid substitution p.Glu584Gly. To our knowledge, this variant has not been reported in the literature or in a large population database (gnomAD), indicating this variant is rare. At this time, the clinical significance of this variant is uncertain due to the absence of conclusive functional and genetic evidence.

NM_001387430.1(SH2B1):c.1751A>G (p.Glu584Gly)

Gene: SH2B1 (SH2B adaptor protein 1; plus strand). Cytogenetic location: 16p11.2.
Variant type: single nucleotide variant.
Coding change: c.1751A>G on transcript NM_001387430.1 (MANE Select); coding-DNA position 1751, A replaced by G.
Protein change: p.Glu584Gly; replaces glutamic acid 584 with glycine.
Molecular consequence: missense variant.
Genome position (GRCh38, 1-based): chr16:28,872,559, A>G. VCF-style: chr16-28872559-A-G. GRCh37 (hg19) VCF-style: chr16-28883880-A-G.
Other names: c.1751A>G, p.Glu584Gly (NM_015503.3, NM_001145795.2, NM_001145796.2 and 4 more transcripts); c.743A>G, p.Glu248Gly (NM_001308294.2); short protein forms E584G, E248G.
Identifiers: ClinVar variation 4998010 (VCV004998010.1).